The following is an entry in ClinVar:

ClinVar aggregate classification (germline): Uncertain significance (1 of 4 stars; one submission).

Submission:

GeneDx
Classification: Uncertain significance. Last evaluated: 2023-10-19. Review status: criteria provided, single submitter. Criteria: GeneDx Variant Classification Process June 2021. Collection method: clinical testing. Allele origin: germline. Affected: yes.
Comment: Not observed at significant frequency in large population cohorts (gnomAD); In silico analysis supports that this missense variant has a deleterious effect on protein structure/function; Has not been previously published as pathogenic or benign to our knowledge

NM_006268.5(DPF2):c.649C>T (p.Arg217Cys)

Gene: DPF2 (double PHD fingers 2; plus strand). Cytogenetic location: 11q13.1.
Variant type: single nucleotide variant.
Coding change: c.649C>T on transcript NM_006268.5 (MANE Select); coding-DNA position 649, C replaced by T.
Protein change: p.Arg217Cys; replaces arginine 217 with cysteine.
Molecular consequence: missense variant.
Genome position (GRCh38, 1-based): chr11:65,345,677, C>T. VCF-style: chr11-65345677-C-T. GRCh37 (hg19) VCF-style: chr11-65113148-C-T.
Other names: c.691C>T, p.Arg231Cys (NM_001330308.2); short protein forms R217C, R231C.
Identifiers: ClinVar variation 3366173 (VCV003366173.1).